The following is an entry in ClinVar:

NM_001270508.2(TNFAIP3):c.1705C>T (p.Arg569Trp)

Gene: TNFAIP3 (TNF alpha induced protein 3; plus strand). Cytogenetic location: 6q23.3.
Variant type: single nucleotide variant.
Coding change: c.1705C>T on transcript NM_001270508.2 (MANE Select); coding-DNA position 1705, C replaced by T.
Protein change: p.Arg569Trp; replaces arginine 569 with tryptophan.
Molecular consequence: missense variant.
Genome position (GRCh38, 1-based): chr6:137,879,150, C>T. VCF-style: chr6-137879150-C-T. GRCh37 (hg19) VCF-style: chr6-138200287-C-T.
Other names: c.1705C>T, p.Arg569Trp (NM_001270507.2, NM_006290.4); short protein forms R569W.
Identifiers: ClinVar variation 2965865 (VCV002965865.3), dbSNP rs769014911, ClinGen allele CA148263640.

ClinVar aggregate classification (germline): Uncertain significance (1 of 4 stars; one submission).

gnomAD v4.1: 20 of 1,614,024 alleles (0.0012%); highest among the groups gnomAD compares: Non-Finnish European, 0.0016%; no homozygotes.

Submission:

Labcorp Genetics (formerly Invitae), Labcorp
Classification: Uncertain significance. Last evaluated: 2025-10-11. Review status: criteria provided, single submitter. Criteria: Invitae Variant Classification Sherloc (09022015). Collection method: clinical testing. Allele origin: germline.
Comment: This sequence change replaces arginine, which is basic and polar, with tryptophan, which is neutral and slightly polar, at codon 569 of the TNFAIP3 protein (p.Arg569Trp). This variant is present in population databases (no rsID available, gnomAD 0.002%). This variant has not been reported in the literature in individuals affected with TNFAIP3-related conditions. ClinVar contains an entry for this variant (Variation ID: 2965865). Invitae Evidence Modeling of protein sequence and biophysical properties (such as structural, functional, and spatial information, amino acid conservation, physicochemical variation, residue mobility, and thermodynamic stability) indicates that this missense variant is not expected to disrupt TNFAIP3 protein function with a negative predictive value of 80%. In summary, the available evidence is currently insufficient to determine the role of this variant in disease. Therefore, it has been classified as a Variant of Uncertain Significance.